The following is an entry in ClinVar:

NM_004370.6(COL12A1):c.5366C>T (p.Pro1789Leu)

Gene: COL12A1 (collagen type XII alpha 1 chain; minus strand). Cytogenetic location: 6q13.
Variant type: single nucleotide variant.
Coding change: c.5366C>T on transcript NM_004370.6 (MANE Select); coding-DNA position 5366, C replaced by T.
Protein change: p.Pro1789Leu; replaces proline 1789 with leucine.
Molecular consequence: missense variant.
Genome position (GRCh38, 1-based): chr6:75,137,465, G>A on the plus strand (C>T on the coding strand, the complement: COL12A1 is on the minus strand). VCF-style: chr6-75137465-G-A. GRCh37 (hg19) VCF-style: chr6-75847181-G-A.
Other names: c.1874C>T, p.Pro625Leu (NM_080645.3); short protein forms P625L, P1789L.
Identifiers: ClinVar variation 861140 (VCV000861140.11), dbSNP rs1766675850, ClinGen allele CA364737360.
Genomic context (GRCh38, chr6:75,137,465, plus strand): 5'-AATCCAAGTTATAATTTTTATTAAAAAATTACCGTTTGCTCATTGCCTTCCCCTGTGGAA[G>A]GCTGATAAGTGATCCTATATTTCTGCACACGACCACTAGCAGGATCCCACTTAACAGTCA-3'
Protein context (NP_004361.3, residues 1779-1799): RVQKYRITYQ[Pro1789Leu]STGEGNEQTT

ClinVar aggregate classification (germline): Uncertain significance (1 of 4 stars; one submission).

Conditions:
Bethlem myopathy 2 (BTHLM2). Identifiers: Orphanet 536516, Orphanet 610, MedGen C4225313, MONDO:0034022, OMIM 616471.
Ullrich congenital muscular dystrophy 2 (UCMD2). Identifiers: Orphanet 75840, MedGen C4225314, MONDO:0014654, OMIM 616470.

Submission:

Labcorp Genetics (formerly Invitae), Labcorp
Classification: Uncertain significance for Bethlem myopathy 2; Ullrich congenital muscular dystrophy 2. Last evaluated: 2020-11-13. Review status: criteria provided, single submitter. Criteria: Invitae Variant Classification Sherloc (09022015). Collection method: clinical testing. Allele origin: germline.
Comment: This sequence change replaces proline with leucine at codon 1789 of the COL12A1 protein (p.Pro1789Leu). The proline residue is highly conserved and there is a moderate physicochemical difference between proline and leucine. This variant is not present in population databases (ExAC no frequency). This variant has not been reported in the literature in individuals with COL12A1-related conditions. Algorithms developed to predict the effect of missense changes on protein structure and function are either unavailable or do not agree on the potential impact of this missense change (SIFT: "Deleterious"; PolyPhen-2: "Probably Damaging"; Align-GVGD: "Class C0"). In summary, the available evidence is currently insufficient to determine the role of this variant in disease. Therefore, it has been classified as a Variant of Uncertain Significance.